The following is an entry in ClinVar:

ClinVar aggregate classification (germline): Conflicting classifications of pathogenicity. Review status: criteria provided, conflicting classifications (1 of 4 stars). 12 submissions from 12 submitters: Uncertain significance (6); Likely benign (3). 3 of the submissions do not count toward it. Last evaluated 2026-02-27.

Conditions:
CHEK2-related disorder.
Hereditary cancer-predisposing syndrome. Also called: Neoplastic Syndromes, Hereditary; Tumor predisposition; Hereditary Cancer Syndrome; Hereditary neoplastic syndrome. Identifiers: Orphanet 140162, MedGen C0027672, MeSH D009386, MONDO:0015356.
Familial cancer of breast. Also called: hereditary breast carcinoma; Hereditary breast cancer; BREAST CANCER, FAMILIAL. Identifiers: Orphanet 227535, MedGen C0346153, MONDO:0016419, OMIM 114480. Disease mechanism: loss of function.
Malignant tumor of breast. Also called: Cancer breast; Malignant breast neoplasm. Identifiers: MedGen C0006142, MONDO:0007254. Disease mechanism: loss of function.

Allele frequency attached by ClinVar (database versions not stated): ExAC 0.00005; TOPMed 0.00006; gnomAD 0.00007 and 0.00009; gnomAD exomes 0.00007 and 0.00018; ESP Exome Variant Server 0.00008; 1000 Genomes Project 30x 0.00016; 1000 Genomes Project 0.00020.

Submissions (12):

Ambry Genetics
Classification: Uncertain significance for Hereditary cancer-predisposing syndrome. Last evaluated: 2026-02-27. Review status: criteria provided, single submitter. Criteria: Ambry Variant Classification Scheme 2023. Collection method: clinical testing. Allele origin: germline.
Comment: The p.S5L variant (also known as c.14C>T), located in coding exon 1 of the CHEK2 gene, results from a C to T substitution at nucleotide position 14. The serine at codon 5 is replaced by leucine, an amino acid with dissimilar properties. This variant has been identified in multiple breast cancer and control cohorts across studies (Le Calvez-Kelm F et al. Breast Cancer Res., 2011 Jan;13:R6; Young EL et al. J. Med. Genet., 2016 06;53:366-76; Decker B et al. J. Med. Genet., 2017 11;54:732-741; Hauke J et al. Cancer Med, 2018 04;7:1349-1358; Bhai P et al. Front Genet, 2021 Jul;12:698595). This alteration was also observed in one ovarian cancer patient in a cohort of 3251 individuals who met eligibility criteria for hereditary breast and ovarian cancer syndrome (Lerner-Ellis J et al. J Cancer Res Clin Oncol, 2021 Mar;147:871-879). This alteration behaved as functional in an in vivo, yeast-based growth rate assay (Delimitsou A et al. Hum. Mutat., 2019 05;40:631-648). This alteration was also reported as functional in a study assessing CHEK2-complementation through quantification of KAP1 phosphorylation and CHK2 autophosphorylation in human RPE1-CHEK2-knockout cells (Stolarova L et al. Clin Cancer Res, 2023 Aug;29:3037-3050).This amino acid position is poorly conserved in available vertebrate species. In addition, the in silico prediction for this alteration is inconclusive. Based on the available evidence, the clinical significance of this variant remains unclear.

PreventionGenetics, part of Exact Sciences
Classification: Uncertain significance for CHEK2-related condition. Last evaluated: 2026-02-17. Review status: criteria provided, single submitter. Criteria: ACMG Guidelines, 2015. Collection method: clinical testing. Allele origin: germline.
Comment: The CHEK2 c.14C>T variant is predicted to result in the amino acid substitution p.Ser5Leu. This variant has been observed in individuals with colorectal and breast cancer (Supplementary Table 1, Le Calvez-Kelm et al. 2011. PubMed ID: 21244692; Supplementary Table 2, Yurgelun et al. 2015. PubMed ID: 25980754; Yurgelun et al. 2017. PubMed ID: 28135145), but was also reported in an unaffected breast cancer control (Le Calvez-Kelm et al. 2011. PubMed ID: 21244692). Kinase assays showed this variant had similar function as WT (Stolarova et al. 2023. PubMed ID: 37449874). This variant is reported in 0.019% of alleles in individuals of African descent in gnomAD and has conflicting interpretations regarding its pathogenicity in ClinVar, ranging from likely benign to uncertain (Variation ID: 133886). At this time, the clinical significance of this variant is uncertain due to the absence of conclusive functional and genetic evidence.

GeneDx
Classification: Uncertain significance. Last evaluated: 2025-06-13. Review status: criteria provided, single submitter. Criteria: GeneDx Variant Classification Process June 2021. Collection method: clinical testing. Allele origin: germline. Affected: yes.
Comment: Not observed at significant frequency in large population cohorts (gnomAD); In silico analysis suggests that this missense variant does not alter protein structure/function; Observed in individuals with breast, colorectal, ovarian, and other cancers as well as in unaffected controls (PMID: 21244692, 25980754, 28779002, 28135145, 29522266, 34326862, 32546565, 37460928); This variant is associated with the following publications: (PMID: 24728327, 26787654, 21244692, 28135145, 25980754, 28102005, 29522266, 28779002, 35643632, 32885271, 36315097, 34326862, 37449874, 30851065, 32546565, 37460928)

Labcorp Genetics (formerly Invitae), Labcorp
Classification: Uncertain significance for Familial cancer of breast. Last evaluated: 2025-01-26. Review status: criteria provided, single submitter. Criteria: Invitae Variant Classification Sherloc (09022015). Collection method: clinical testing. Allele origin: germline.
Comment: This sequence change replaces serine, which is neutral and polar, with leucine, which is neutral and non-polar, at codon 5 of the CHEK2 protein (p.Ser5Leu). This variant is present in population databases (rs201084748, gnomAD 0.02%). This missense change has been observed in individual(s) with CHEK2-related conditions (PMID: 21244692, 25980754, 28135145, 29522266). ClinVar contains an entry for this variant (Variation ID: 133886). An algorithm developed to predict the effect of missense changes on protein structure and function (PolyPhen-2) suggests that this variant¬†is likely to be tolerated. Experimental studies have shown that this missense change does not substantially affect CHEK2 function (PMID: 30851065, 37449874). In summary, the available evidence is currently insufficient to determine the role of this variant in disease. Therefore, it has been classified as a Variant of Uncertain Significance.

Molecular Pathology, Peter Maccallum Cancer Centre
Classification: Uncertain significance for Familial cancer of breast. Last evaluated: 2025-01-21. Review status: criteria provided, single submitter. Criteria: ACMG Guidelines, 2015. Collection method: clinical testing. Allele origin: germline. Inheritance: Autosomal dominant inheritance.

Women's Health and Genetics/Laboratory Corporation of America, LabCorp
Classification: Uncertain significance. Last evaluated: 2024-12-23. Review status: criteria provided, single submitter. Criteria: LabCorp Variant Classification Summary - May 2015. Collection method: clinical testing. Allele origin: germline.
Comment: Variant summary: CHEK2 c.14C>T (p.Ser5Leu) results in a non-conservative amino acid change in the encoded protein sequence. Three of five in-silico tools predict a benign effect of the variant on protein function. The variant allele was found at a frequency of 6.9e-05 in 245168 control chromosomes. This frequency is not significantly higher than estimated for a pathogenic variant in CHEK2 causing Hereditary Breast And Ovarian Cancer Syndrome (6.9e-05 vs 0.00031), allowing no conclusion about variant significance. c.14C>T has been reported in the literature in individuals affected with breast cancer as well as unaffected controls and as a VUS in settings of multigene panel testing on individuals with colorectal cancer (example, Calvez-Kelm_2011, Yurgelun_2017). These report(s) do not provide unequivocal conclusions about association of the variant with Hereditary Breast And Ovarian Cancer Syndrome. At least one publication reports experimental evidence evaluating an impact on protein function. These results showed no damaging effect of this variant in a yeast functional experimental system evaluating the ability to repair MMS (methyl-methanesulfonate) induced DNA damage (Delimitsou_2019). The following publications have been ascertained in the context of this evaluation (PMID: 21244692, 30851065, 28135145, 34326862). ClinVar contains an entry for this variant (Variation ID: 133886). Based on the evidence outlined above, the variant was classified as VUS-possibly benign.

Quest Diagnostics Nichols Institute San Juan Capistrano
Classification: Likely benign. Last evaluated: 2023-07-31. Review status: criteria provided, single submitter. Criteria: Quest Diagnostics criteria. Collection method: clinical testing. Allele origin: unknown.
Comment: A yeast-based study indicates the variant had neutral effects on CHEK2 protein function (PMID: 30851065 (2019)). Analysis of this variant using bioinformatics tools for the prediction of the effect of amino acid changes on protein structure and function yielded predictions that this variant is benign. Taking into account the available information, we are unable to determine the clinical significance of this variant.

Myriad Genetics, Inc.
Classification: Likely benign for Familial cancer of breast. Last evaluated: 2023-03-09. Review status: criteria provided, single submitter. Criteria: Myriad Autosomal Dominant, Autosomal Recessive and X-Linked Classification Criteria (2023). Collection method: clinical testing. Allele origin: unknown.
Comment: This variant is considered likely benign. This variant is strongly associated with less severe personal and family histories of cancer, typical for individuals without pathogenic variants in this gene [PMID: 25085752].

Color Diagnostics, LLC DBA Color Health
Classification: Likely benign for Hereditary cancer-predisposing syndrome. Last evaluated: 2015-08-13. Review status: criteria provided, single submitter. Criteria: ACMG Guidelines, 2015. Collection method: clinical testing. Allele origin: germline.

Counsyl
Classification: Uncertain significance for Familial cancer of breast. Last evaluated: 2017-12-20. Review status: no assertion criteria provided. Collection method: clinical testing. Allele origin: unknown. Not counted in ClinVar's aggregate classification.

ITMI
No classification provided. Condition: AllHighlyPenetrant. Last evaluated: 2013-09-19. Review status: no classification provided. Collection method: reference population. Allele origin: germline. Not counted in ClinVar's aggregate classification.
Comment: Please see associated publication for description of ethnicities

Department of Pathology and Laboratory Medicine, Sinai Health System
Classification: Uncertain significance for Malignant tumor of breast. Review status: no assertion criteria provided. Collection method: clinical testing. Allele origin: unknown. Affected: yes. Study: The Canadian Open Genetics Repository (COGR). Not counted in ClinVar's aggregate classification.
Comment: The CHEK2 p.Ser5Leu variant was identified in 2 of 2606 proband chromosomes (frequency: 0.001) from individuals or families with breast cancer and was present in 1 of 2218 control chromosomes (frequency: 0.001) from healthy individuals (Le Calvez-Kelm 2011). The variant was also identified in the following databases: dbSNP (ID: rs201084748) as With Uncertain significance allele, ClinVar (classified as uncertain significance by Ambry Genetics, GeneDx, Invitae), Clinvitae (classified as uncertain significance by ClinVar, Invitae). The variant was not identified in Cosmic, MutDB, Zhejiang Colon Cancer Database, databases. The variant was identified in control databases in 16 of 239848 chromosomes at a frequency of 0.0001 in the following populations: European in 12 of 106232 chromosomes (freq.0.0001), African in 3 of 14996 chromosomes (freq. 0.0002), Asian in 1 of 30688 chromosomes (freq. 0.00003) (Genome Aggregation Consortium Feb 27, 2017). The p.Ser5 residue is not conserved in mammals and four out of five computational analyses (PolyPhen-2, SIFT, AlignGVGD, BLOSUM, MutationTaster) do not suggest a high likelihood of impact to the protein; however, this information is not predictive enough to rule out pathogenicity. The variant occurs outside of the splicing consensus sequence and in silico or computational prediction software programs (SpliceSiteFinder, MaxEntScan, NNSPLICE, GeneSplicer, HumanSpliceFinder) do not predict a difference in splicing. In summary, based on the above information, the clinical significance of this variant cannot be determined with certainty at this time. This variant is classified as a variant of uncertain significance.

Literature cited by the submitters: PubMed 21244692 (cited by 5 submitters); PubMed 24728327 (cited by 3 submitters); PubMed 25980754 (cited by 4 submitters); PubMed 26787654 (cited by Ambry Genetics); PubMed 28779002 (cited by Ambry Genetics and Quest Diagnostics Nichols Institute San Juan Capistrano); PubMed 29522266 (cited by 3 submitters); PubMed 30851065 (cited by 4 submitters); PubMed 32885271 (cited by Ambry Genetics and Quest Diagnostics Nichols Institute San Juan Capistrano); PubMed 34326862 (cited by 3 submitters); PubMed 35643632 (cited by Ambry Genetics); PubMed 37449874 (cited by 3 submitters); PubMed 28135145 (cited by 3 submitters); PubMed 32546565 (cited by Quest Diagnostics Nichols Institute San Juan Capistrano); PubMed 36315097 (cited by Quest Diagnostics Nichols Institute San Juan Capistrano); PubMed 37460928 (cited by Quest Diagnostics Nichols Institute San Juan Capistrano); PubMed 25085752 (cited by Myriad Genetics, Inc.).

NM_007194.4(CHEK2):c.14C>T (p.Ser5Leu)

Gene: CHEK2 (checkpoint kinase 2; minus strand). Cytogenetic location: 22q12.1.
Variant type: single nucleotide variant.
Coding change: c.14C>T on transcript NM_007194.4 (MANE Select); coding-DNA position 14, C replaced by T.
Protein change: p.Ser5Leu; replaces serine 5 with leucine.
Molecular consequence: missense variant.
Genome position (GRCh38, 1-based): chr22:28,734,708, G>A on the plus strand (C>T on the coding strand, the complement: CHEK2 is on the minus strand). VCF-style: chr22-28734708-G-A. GRCh37 (hg19) VCF-style: chr22-29130696-G-A.
Other names: p.S5L:TCG>TTG; c.14C>T, p.Ser5Leu (NM_001005735.3, NM_001349956.3, NM_145862.3); c.-764C>T (NM_001257387.3); short protein forms S5L.
Identifiers: ClinVar variation 133886 (VCV000133886.39), dbSNP rs201084748, ClinGen allele CA158091.
Genomic context (GRCh38, chr22:28,734,708, plus strand): 5'-ACGCTGCCATGGGGCTGTGAACAGGCACTGCTGCCATGAGACTGCTGAGCCTCAACATCC[G>A]ACTCCCGAGACATCACGACCTCAAAAAGAAAGTGTCCAACAACAAAGGTGAGTTTCAAGG-3'
Protein context (NP_009125.1, residues 1-15): MSRE[Ser5Leu]DVEAQQSHGS